The following is an entry in ClinVar:

ClinVar aggregate classification (germline): Benign/Likely benign. Review status: criteria provided, multiple submitters, no conflicts (2 of 4 stars). 3 submissions from 3 submitters: Benign (1); Likely benign (2). Last evaluated 2026-06-08.

Conditions:
Androgen resistance syndrome (AIS). Also called: DIHYDROTESTOSTERONE RECEPTOR DEFICIENCY; Androgen insensitivity syndrome due to coactivator deficiency; Androgen insensitivity; ANDROGEN RECEPTOR DEFICIENCY; Androgen insensitivity, complete; TESTICULAR FEMINIZATION SYNDROME. Identifiers: Orphanet 754, Orphanet 99429, MedGen C0039585, MONDO:0019154, OMIM 300068. Disease mechanism: loss of function.
Kennedy disease (SMAX1). Also called: KENNEDY SPINAL AND BULBAR MUSCULAR ATROPHY; SPINAL AND BULBAR MUSCULAR ATROPHY, X-LINKED 1; Spinal and Bulbar Muscular Atrophy. Identifiers: Orphanet 481, MedGen C1839259, MONDO:0010735, OMIM 313200.
AR-related disorder. Also called: AR-related condition.

Allele frequency attached by ClinVar (database versions not stated): gnomAD 0.00010; TOPMed 0.00015; 1000 Genomes Project 30x 0.00021; ExAC 0.00023; 1000 Genomes Project 0.00026.
gnomAD v4.1: 234 of 1,190,141 alleles (0.02%); highest among the groups gnomAD compares: Non-Finnish European, 0.024%; no homozygotes.

Submissions (3):

PreventionGenetics, part of Exact Sciences
Classification: Likely benign for AR-related condition. Last evaluated: 2026-06-08. Review status: criteria provided, single submitter. Criteria: ACMG Guidelines, 2015. Collection method: clinical testing. Allele origin: germline.
Comment: This variant is classified as likely benign based on ACMG/AMP sequence variant interpretation guidelines (Richards et al. 2015 PMID: 25741868, with internal and published modifications).

Labcorp Genetics (formerly Invitae), Labcorp
Classification: Benign for Kennedy disease; Androgen resistance syndrome. Last evaluated: 2026-01-28. Review status: criteria provided, single submitter. Criteria: Invitae Variant Classification Sherloc (09022015). Collection method: clinical testing. Allele origin: germline.

CeGaT Center for Human Genetics Tuebingen
Classification: Likely benign. Last evaluated: 2024-11-01. Review status: criteria provided, single submitter. Criteria: CeGaT Center For Human Genetics Tuebingen Variant Classification Criteria Version 2. Collection method: clinical testing. Allele origin: germline. Affected: yes. Observed: 1 variant allele.
Comment: AR: BP4, BS2

NM_000044.6(AR):c.1194C>T (p.Ala398=)

Gene: AR (androgen receptor; plus strand). Cytogenetic location: Xq12.
Variant type: single nucleotide variant.
Coding change: c.1194C>T on transcript NM_000044.6 (MANE Select); coding-DNA position 1194, C replaced by T.
Protein change: p.Ala398=; no amino-acid change (alanine 398 retained).
Molecular consequence: synonymous variant. On other transcripts: 5 prime UTR variant (1).
Genome position (GRCh38, 1-based): chrX:67,546,340, C>T. VCF-style: chrX-67546340-C-T. GRCh37 (hg19) VCF-style: chrX-66766182-C-T.
Other names: c.1194C>T (NM_000044.3); c.-590C>T (NM_001011645.3); c.1194C>T, p.Ala398= (NM_001348061.1, NM_001348063.1, NM_001348064.1 and 1 more transcripts).
Identifiers: ClinVar variation 2937785 (VCV002937785.18), dbSNP rs201038724, ClinGen allele CA10436396.